The following is an entry in ClinVar:

ClinVar aggregate classification (germline): Likely pathogenic (1 of 4 stars; one submission).

Conditions:
Cornelia de Lange syndrome 1 (CDLS1). Also called: TYPUS DEGENERATIVUS AMSTELODAMENSIS; Brachmann de Lange syndrome; NIPBL-Related Cornelia de Lange Syndrome. Identifiers: Orphanet 199, MedGen C4551851, MONDO:0007387, OMIM 122470.

Submission:

Victorian Clinical Genetics Services, Murdoch Childrens Research Institute
Classification: Likely pathogenic for Cornelia de Lange syndrome 1. Last evaluated: 2026-03-02. Review status: criteria provided, single submitter. Criteria: ACMG Guidelines, 2015. Collection method: clinical testing. Allele origin: germline. Affected: yes.
Comment: This variant is classified as Likely pathogenic. Evidence in support of pathogenic classification: Non-canonical splice site variant without proven consequence on splicing (no functional evidence available); Variant is absent from gnomAD (v2, v3 and v4); Abnormal splicing is predicted by in silico tool and affected nucleotide is highly conserved; Very strong and specific phenotype match for this individual; Additional information: This variant is heterozygous; This gene is associated with autosomal dominant disease; This variant has no previous evidence of pathogenicity; No published segregation evidence has been identified for this variant; No published functional evidence has been identified for this variant; Other splice variant(s) comparable to the one identified in this case have inconclusive previous evidence for pathogenicity. c.3855+5G>A has been classified as likely pathogenic and as a VUS by clinical laboratories in ClinVar. c.3855+5G>C has been reported as de novo in the literature in a fetus with hypospadias, micropenis, and cleft palate (PMID: 36307859); Loss of function is a known mechanism of disease in this gene and is associated with Cornelia de Lange syndrome 1 (MIM#122470).

Literature cited by the submitters: PubMed 36307859.

NM_133433.4(NIPBL):c.3855+5G>T

Gene: NIPBL (NIPBL cohesin loading factor; plus strand). Cytogenetic location: 5p13.2.
Variant type: single nucleotide variant.
Coding change: c.3855+5G>T on transcript NM_133433.4 (MANE Select); 5 bases into the intron after coding-DNA position 3855, G replaced by T.
Molecular consequence: intron variant.
Genome position (GRCh38, 1-based): chr5:37,003,352, G>T. VCF-style: chr5-37003352-G-T. GRCh37 (hg19) VCF-style: chr5-37003454-G-T.
Other names: c.3855+5G>T (NM_001438586.1, NM_015384.5).
Identifiers: ClinVar variation 4531990 (VCV004531990.3).